The following is an entry in ClinVar:

ClinVar aggregate classification (germline): Pathogenic (1 of 4 stars; one submission).

Submission:

Labcorp Genetics (formerly Invitae), Labcorp
Classification: Pathogenic. Last evaluated: 2026-01-26. Review status: criteria provided, single submitter. Criteria: Invitae Variant Classification Sherloc (09022015). Collection method: clinical testing. Allele origin: germline.
Comment: This sequence change creates a premature translational stop signal (p.Gln1201Cysfs*16) in the IMPG2 gene. It is expected to result in an absent or disrupted protein product. Loss-of-function variants in IMPG2 are known to be pathogenic (PMID: 20673862). This variant is not present in population databases (gnomAD no frequency). This variant has not been reported in the literature in individuals affected with IMPG2-related conditions. For these reasons, this variant has been classified as Pathogenic.

Literature cited by the submitters: PubMed 20673862.

NM_016247.4(IMPG2):c.3601_3604del (p.Gln1201fs)

Gene: IMPG2 (interphotoreceptor matrix proteoglycan 2; minus strand). Cytogenetic location: 3q12.3.
Variant type: Microsatellite.
Coding change: c.3601_3604del on transcript NM_016247.4 (MANE Select); coding-DNA positions 3601 to 3604, 4 bases deleted (CAGA; older notation c.3601_3604delCAGA).
Protein change: p.Gln1201fs; shifts the reading frame from glutamine 1201.
Molecular consequence: frameshift variant.
Genome position (GRCh38, 1-based): chr3:101,229,409-101,229,412, TCTG deleted on the plus strand (CAGA on the coding strand, the reverse complement: IMPG2 is on the minus strand); deleting any 4 consecutive bases within chr3:101,229,409-101,229,416 gives the same sequence; the c. name uses the placement nearest the transcript's 3' end. VCF-style (leftmost placement, unchanged base first): chr3-101229408-ATCTG-A. GRCh37 (hg19) VCF-style: chr3-100948252-ATCTG-A.
Other names: short protein forms Q1201fs.
Identifiers: ClinVar variation 3725111 (VCV003725111.2).